The following is an entry in ClinVar:

ClinVar aggregate classification (germline): Benign/Likely benign. Review status: criteria provided, multiple submitters, no conflicts (2 of 4 stars). 2 submissions from 2 submitters: Benign (1); Likely benign (1). Last evaluated 2025-05-21.

Conditions:
Tuberous sclerosis 2 (TSC2). Identifiers: Orphanet 805, MedGen C1860707, MONDO:0013199, OMIM 613254.
Hereditary cancer-predisposing syndrome. Also called: Neoplastic Syndromes, Hereditary; Tumor predisposition; Hereditary neoplastic syndrome; Hereditary Cancer Syndrome. Identifiers: Orphanet 140162, MedGen C0027672, MeSH D009386, MONDO:0015356.

Submissions (2):

Myriad Genetics, Inc.
Classification: Benign for Tuberous sclerosis 2. Last evaluated: 2025-05-21. Review status: criteria provided, single submitter. Criteria: Myriad Autosomal Dominant, Autosomal Recessive and X-Linked Classification Criteria (2023). Collection method: clinical testing. Allele origin: unknown.
Comment: This variant is considered benign. This variant is a silent/synonymous amino acid change and it is not expected to impact splicing.

Ambry Genetics
Classification: Likely benign for Hereditary cancer-predisposing syndrome. Last evaluated: 2022-01-31. Review status: criteria provided, single submitter. Criteria: Ambry Variant Classification Scheme 2023. Collection method: clinical testing. Allele origin: germline.

NM_000548.5(TSC2):c.2694C>A (p.Ile898=)

Gene: TSC2 (TSC complex subunit 2; plus strand). Cytogenetic location: 16p13.3.
Variant type: single nucleotide variant.
Coding change: c.2694C>A on transcript NM_000548.5 (MANE Select); coding-DNA position 2694, C replaced by A.
Protein change: p.Ile898=; no amino-acid change (isoleucine 898 retained).
Molecular consequence: synonymous variant. On other transcripts: non-coding transcript variant (5).
Genome position (GRCh38, 1-based): chr16:2,076,122, C>A. VCF-style: chr16-2076122-C-A. GRCh37 (hg19) VCF-style: chr16-2126123-C-A.
Other names: c.2694C>A, p.Ile898= (NM_001077183.3, NM_001114382.3, NM_001363528.2 and 6 more transcripts); c.2583C>A, p.Ile861= (NM_001318827.2, NM_001406670.1, NM_001406678.1); c.2547C>A, p.Ile849= (NM_001318829.2, NM_001406675.1, NM_001406676.1 and 1 more transcripts); c.2094C>A, p.Ile698= (NM_001318831.2, NM_001406680.1, NM_001406682.1 and 6 more transcripts); c.2727C>A, p.Ile909= (NM_001318832.2); c.2784C>A, p.Ile928= (NM_001406667.1, NM_001406668.1); c.2682C>A, p.Ile894= (NM_001406671.1, NM_001406673.1); c.2637C>A, p.Ile879= (NM_001406677.1); and 3 more.
Identifiers: ClinVar variation 1794827 (VCV001794827.3), dbSNP rs200360213, ClinGen allele CA492953661.